The following is an entry in ClinVar:

NM_000539.3(RHO):c.302G>A (p.Gly101Glu)

Gene: RHO (rhodopsin; plus strand). Cytogenetic location: 3q22.1.
Variant type: single nucleotide variant.
Coding change: c.302G>A on transcript NM_000539.3 (MANE Select); coding-DNA position 302, G replaced by A.
Protein change: p.Gly101Glu; replaces glycine 101 with glutamic acid.
Molecular consequence: missense variant.
Genome position (GRCh38, 1-based): chr3:129,529,035, G>A. VCF-style: chr3-129529035-G-A. GRCh37 (hg19) VCF-style: chr3-129247878-G-A.
Other names: short protein forms G101E.
Identifiers: ClinVar variation 2734560 (VCV002734560.5), dbSNP rs759945007, ClinGen allele CA2607105.

ClinVar aggregate classification (germline): Conflicting classifications of pathogenicity. Review status: criteria provided, conflicting classifications (1 of 4 stars). 3 submissions from 3 submitters: Pathogenic (1); Uncertain significance (2). Last evaluated 2025-08-21.

Conditions:
Retinitis pigmentosa 4 (RP4). Also called: RETINITIS PIGMENTOSA, RHODOPSIN-RELATED. Identifiers: Orphanet 791, MedGen C3151001, MONDO:0013395, OMIM 613731.

Allele frequency attached by ClinVar (database versions not stated): ExAC 0.00001.

Submissions (3):

Labcorp Genetics (formerly Invitae), Labcorp
Classification: Pathogenic. Last evaluated: 2025-08-21. Review status: criteria provided, single submitter. Criteria: Invitae Variant Classification Sherloc (09022015). Collection method: clinical testing. Allele origin: germline.
Comment: This sequence change replaces glycine, which is neutral and non-polar, with glutamic acid, which is acidic and polar, at codon 101 of the RHO protein (p.Gly101Glu). This variant is present in population databases (rs759945007, gnomAD 0.01%). This missense change has been observed in individuals with autosomal dominant retinitis pigmentosa (PMID: 26161267, 33347869, 35052368, 37712069). ClinVar contains an entry for this variant (Variation ID: 2734560). Invitae Evidence Modeling of protein sequence and biophysical properties (such as structural, functional, and spatial information, amino acid conservation, physicochemical variation, residue mobility, and thermodynamic stability) indicates that this missense variant is expected to disrupt RHO protein function with a positive predictive value of 95%. Experimental studies have shown that this missense change affects RHO function (PMID: 30977563). This variant disrupts the p.Gly101 amino acid residue in RHO. Other variant(s) that disrupt this residue have been observed in individuals with RHO-related conditions (PMID: 28981474), which suggests that this may be a clinically significant amino acid residue. For these reasons, this variant has been classified as Pathogenic.

3billion
Classification: Uncertain significance for Retinitis pigmentosa 4. Last evaluated: 2023-08-25. Review status: criteria provided, single submitter. Criteria: ACMG Guidelines, 2015. Collection method: clinical testing. Allele origin: germline. Affected: yes.
Comment: The variant is observed at an extremely low frequency in the gnomAD v2.1.1 dataset (total allele frequency: 0.001%). Predicted Consequence/Location: Missense changes are a common disease-causing mechanism. Same nucleotide change resulting in same amino acid change has been previously reported to be associated with RHO related disorder (PMID: 26161267). A different missense change at the same codon (p.Gly101Val) has been reported to be associated with RHO related disorder (ClinVar ID: VCV000625301 /PMID: 28981474 /3billion dataset). However the evidence of pathogenicity is insufficient at this time. Therefore, this variant is classified as VUS according to the recommendation of ACMG/AMP guideline.

Blueprint Genetics
Classification: Uncertain significance. Last evaluated: 2021-05-26. Review status: criteria provided, single submitter. Criteria: ACMG Guidelines, 2015. Collection method: clinical testing. Allele origin: germline.

Literature cited by the submitters: PubMed 26161267 (cited by Labcorp Genetics (formerly Invitae), Labcorp and 3billion); PubMed 33347869 (cited by Labcorp Genetics (formerly Invitae), Labcorp); PubMed 35052368 (cited by Labcorp Genetics (formerly Invitae), Labcorp); PubMed 37712069 (cited by Labcorp Genetics (formerly Invitae), Labcorp); PubMed 30977563 (cited by Labcorp Genetics (formerly Invitae), Labcorp); PubMed 28981474 (cited by Labcorp Genetics (formerly Invitae), Labcorp and 3billion).